The following is an entry in ClinVar:

ClinVar aggregate classification (germline): Uncertain significance (1 of 4 stars; one submission).

Conditions:
Cardiovascular phenotype. Identifiers: MedGen CN230736.

gnomAD v4.1: 16 of 1,613,836 alleles (0.00099%); highest among the groups gnomAD compares: South Asian, 0.016%; 1 homozygote.

Submission:

Ambry Genetics
Classification: Uncertain significance for Cardiovascular phenotype. Last evaluated: 2026-03-07. Review status: criteria provided, single submitter. Criteria: Ambry Variant Classification Scheme 2023. Collection method: clinical testing. Allele origin: germline.
Comment: The p.T1231I variant (also known as c.3692C>T), located in coding exon 50 of the COL1A2 gene, results from a C to T substitution at nucleotide position 3692. The threonine at codon 1231 is replaced by isoleucine, an amino acid with similar properties. This amino acid position is conserved. In addition, the in silico prediction for this alteration is inconclusive. Based on the available evidence, the clinical significance of this variant remains unclear.

NM_000089.4(COL1A2):c.3692C>T (p.Thr1231Ile)

Gene: COL1A2 (collagen type I alpha 2 chain; plus strand). Cytogenetic location: 7q21.3.
Variant type: single nucleotide variant.
Coding change: c.3692C>T on transcript NM_000089.4 (MANE Select); coding-DNA position 3692, C replaced by T.
Protein change: p.Thr1231Ile; replaces threonine 1231 with isoleucine.
Molecular consequence: missense variant.
Genome position (GRCh38, 1-based): chr7:94,428,458, C>T. VCF-style: chr7-94428458-C-T. GRCh37 (hg19) VCF-style: chr7-94057770-C-T.
Other names: short protein forms T1231I.
Identifiers: ClinVar variation 4833064 (VCV004833064.1).
Genomic context (GRCh38, chr7:94,428,458, plus strand): 5'-TCCCAGCCAAGAACTGGTATAGGAGCTCCAAGGACAAGAAACACGTCTGGCTAGGAGAAA[C>T]TATCAATGCTGGCAGCCAGGTGAGGAATCCCACAAACACCTCTCCTTCTGCTAAATAATA-3'
Protein context (NP_000080.2, residues 1221-1241): KDKKHVWLGE[Thr1231Ile]INAGSQFEYN